The following is an entry in ClinVar:

ClinVar aggregate classification (germline): Uncertain significance. Review status: criteria provided, multiple submitters, no conflicts (2 of 4 stars). 2 submissions from 2 submitters: Uncertain significance (2). Last evaluated 2023-10-27.

Conditions:
Myofibrillar myopathy 6. Identifiers: Orphanet 199340, MedGen C2751831, MONDO:0013061, OMIM 612954.
Dilated cardiomyopathy 1HH (CMD1HH). Identifiers: Orphanet 154, MedGen C3151293, MONDO:0013479, OMIM 613881.

gnomAD v4.1: 5 of 1,614,142 alleles (0.00031%); highest among the groups gnomAD compares: Admixed American, 0.005%; no homozygotes.

Submissions (2):

Revvity Omics, Revvity
Classification: Uncertain significance. Last evaluated: 2023-10-27. Review status: criteria provided, single submitter. Criteria: ACMG Guidelines, 2015. Collection method: clinical testing. Allele origin: germline.

Labcorp Genetics (formerly Invitae), Labcorp
Classification: Uncertain significance for Dilated cardiomyopathy 1HH; Myofibrillar myopathy 6. Last evaluated: 2023-04-24. Review status: criteria provided, single submitter. Criteria: Invitae Variant Classification Sherloc (09022015). Collection method: clinical testing. Allele origin: germline.
Comment: ClinVar contains an entry for this variant (Variation ID: 1515527). This sequence change replaces alanine, which is neutral and non-polar, with valine, which is neutral and non-polar, at codon 401 of the BAG3 protein (p.Ala401Val). This variant is present in population databases (no rsID available, gnomAD 0.003%). This variant has not been reported in the literature in individuals affected with BAG3-related conditions. Advanced modeling of protein sequence and biophysical properties (such as structural, functional, and spatial information, amino acid conservation, physicochemical variation, residue mobility, and thermodynamic stability) performed at Invitae indicates that this missense variant is not expected to disrupt BAG3 protein function. In summary, the available evidence is currently insufficient to determine the role of this variant in disease. Therefore, it has been classified as a Variant of Uncertain Significance.

NM_004281.4(BAG3):c.1202C>T (p.Ala401Val)

Gene: BAG3 (BAG cochaperone 3; plus strand). Cytogenetic location: 10q26.11.
Variant type: single nucleotide variant.
Coding change: c.1202C>T on transcript NM_004281.4 (MANE Select); coding-DNA position 1202, C replaced by T.
Protein change: p.Ala401Val; replaces alanine 401 with valine.
Molecular consequence: missense variant.
Genome position (GRCh38, 1-based): chr10:119,676,756, C>T. VCF-style: chr10-119676756-C-T. GRCh37 (hg19) VCF-style: chr10-121436268-C-T.
Other names: c.1202C>T (NM_004281.3); short protein forms A401V.
Identifiers: ClinVar variation 1515527 (VCV001515527.9), dbSNP rs775153939, ClinGen allele CA378296827.
Genomic context (GRCh38, chr10:119,676,756, plus strand): 5'-CTGCTGTCCCCTCTTCCCCCAAGAGTGTGGCTACAGAAGAGAGGGCAGCCCCCAGCACTG[C>T]CCCTGCAGAAGCTACACCTCCAAAACCAGGAGAAGCCGAGGCTCCCCCAAAACATCCAGG-3'
Protein context (NP_004272.2, residues 391-411): ATEERAAPST[Ala401Val]PAEATPPKPG